The following is an entry in ClinVar:

NM_000198.4(HSD3B2):c.638G>C (p.Ser213Thr)

Gene: HSD3B2 (hydroxy-delta-5-steroid dehydrogenase, 3 beta- and steroid delta-isomerase 2; plus strand). Cytogenetic location: 1p12.
Variant type: single nucleotide variant.
Coding change: c.638G>C on transcript NM_000198.4 (MANE Select); coding-DNA position 638, G replaced by C.
Protein change: p.Ser213Thr; replaces serine 213 with threonine.
Molecular consequence: missense variant.
Genome position (GRCh38, 1-based): chr1:119,422,139, G>C. VCF-style: chr1-119422139-G-C. GRCh37 (hg19) VCF-style: chr1-119964762-G-C.
Other names: c.638G>C, p.Ser213Thr (NM_001166120.2); c.638G>C (NM_000198.3); short protein forms S213T.
Identifiers: ClinVar variation 2445883 (VCV002445883.2), dbSNP rs137867568, ClinGen allele CA1036009.

ClinVar aggregate classification (germline): Uncertain significance. Review status: criteria provided, multiple submitters, no conflicts (2 of 4 stars). 2 submissions from 2 submitters: Uncertain significance (2). Last evaluated 2024-02-08.

Conditions:
3 beta-Hydroxysteroid dehydrogenase deficiency. Also called: 3b-hydroxysteroid dehydrogenase deficiency; ADRENAL HYPERPLASIA, CONGENITAL, DUE TO 3-BETA-HYDROXYSTEROID DEHYDROGENASE 2 DEFICIENCY; 3-BETA-HSD DEFICIENCY; ADRENAL HYPERPLASIA II; Congenital adrenal hyperplasia due to 3-beta-hydroxysteroid dehydrogenase deficiency. Identifiers: Orphanet 90791, MedGen C0342471, MeSH C538236, MONDO:0008727, OMIM 201810. Disease mechanism: loss of function.

Allele frequency attached by ClinVar (database versions not stated): gnomAD exomes 0.00002; ExAC 0.00005; TOPMed 0.00015; 1000 Genomes Project 30x 0.00016; gnomAD 0.00018; 1000 Genomes Project 0.00020; ESP Exome Variant Server 0.00023.
gnomAD v4.1: 61 of 1,614,116 alleles (0.0038%); highest among the groups gnomAD compares: African/African-American, 0.068%; no homozygotes.

Submissions (2):

Fulgent Genetics
Classification: Uncertain significance for 3 beta-Hydroxysteroid dehydrogenase deficiency. Last evaluated: 2024-02-08. Review status: criteria provided, single submitter. Criteria: ACMG Guidelines, 2015. Collection method: clinical testing. Allele origin: germline.

Women's Health and Genetics/Laboratory Corporation of America, LabCorp
Classification: Uncertain significance. Last evaluated: 2023-02-03. Review status: criteria provided, single submitter. Criteria: LabCorp Variant Classification Summary - May 2015. Collection method: clinical testing. Allele origin: germline.
Comment: Variant summary: HSD3B2 c.638G>C (p.Ser213Thr) results in a conservative amino acid change located in the 3-beta hydroxysteroid dehydrogenase/isomerase domain (IPR002225) of the encoded protein sequence. Five of five in-silico tools predict a benign effect of the variant on protein function. The variant allele was found at a frequency of 6e-05 in 251224 control chromosomes, predominantly at a frequency of 0.00068 within the African or African-American subpopulation in the gnomAD database. This frequency is not significantly higher than expected for a pathogenic variant in HSD3B2 causing Congenital Adrenal Hyperplasia (6e-05 vs 0.0013), allowing no conclusion about variant significance. This report does not provide unequivocal conclusions about association of the variant with Congenital Adrenal Hyperplasia. A publication with experimental evidence evaluating an impact on protein function found that the variant results in <10% of normal WT enzyme activity in vitro (Codner_2004). No clinical diagnostic laboratories have submitted clinical-significance assessments for this variant to ClinVar after 2014. Based on the evidence outlined above, the variant was classified as VUS-possibly pathogenic.

Literature cited by the submitters: PubMed 14764821 (cited by Women's Health and Genetics/Laboratory Corporation of America, LabCorp).